The following is an entry in ClinVar:

NM_000214.3(JAG1):c.660C>G (p.Cys220Trp)

Gene: JAG1 (jagged canonical Notch ligand 1; minus strand). Cytogenetic location: 20p12.2.
Variant type: single nucleotide variant.
Coding change: c.660C>G on transcript NM_000214.3 (MANE Select); coding-DNA position 660, C replaced by G.
Protein change: p.Cys220Trp; replaces cysteine 220 with tryptophan.
Molecular consequence: missense variant.
Genome position (GRCh38, 1-based): chr20:10,658,502, G>C on the plus strand (C>G on the coding strand, the complement: JAG1 is on the minus strand). VCF-style: chr20-10658502-G-C. GRCh37 (hg19) VCF-style: chr20-10639150-G-C.
Other names: short protein forms C220W.
Identifiers: ClinVar variation 3573077 (VCV003573077.2).
Genomic context (GRCh38, chr20:10,658,502, plus strand): 5'-GTGCACATGCACACACACACACATACCTCTGTTACATTCGGGGCCCATCCAGCCTTCCAT[G>C]CAAGTTTTGTTGCCATTCTGGTCACAGGCATAGTGTCCAAAGAAGTCATCTCTGGGGCGG-3'
Protein context (NP_000205.1, residues 210-230): YACDQNGNKT[Cys220Trp]MEGWMGPECN

Conditions:
Arteriohepatic dysplasia. Also called: Alagille Syndrome. Identifiers: Orphanet 52, MedGen C0085280, MeSH D016738, MONDO:0007318.

Submission:

Gilbert/Spinner Lab, Children's Hospital of Philadelphia
No classification provided (evidence only). Condition: Alagille syndrome. Review status: no classification provided. Collection method: research. Allele origin: not applicable. Functional consequence: functionally_abnormal.
ClinVar note: "not provided" was previously submitted as the classification for the variant. However, the classification appeared to be based only on an observation of functional data so it was converted to no classification on 2025-07-30.